The following is an entry in ClinVar:

ClinVar aggregate classification (germline): Uncertain significance. Review status: criteria provided, multiple submitters, no conflicts (2 of 4 stars). 2 submissions from 2 submitters: Uncertain significance (2). Last evaluated 2025-03-31.

Conditions:
Inborn genetic diseases. Identifiers: MedGen C0950123, MeSH D030342.

Allele frequency attached by ClinVar (database versions not stated): gnomAD 0.00001; TOPMed 0.00001; gnomAD exomes 0.00001.
gnomAD v4.1: 13 of 1,614,002 alleles (0.00081%); highest among the groups gnomAD compares: Non-Finnish European, 0.0011%; no homozygotes.

Submissions (2):

Labcorp Genetics (formerly Invitae), Labcorp
Classification: Uncertain significance. Last evaluated: 2025-03-31. Review status: criteria provided, single submitter. Criteria: Invitae Variant Classification Sherloc (09022015). Collection method: clinical testing. Allele origin: germline.
Comment: This sequence change replaces alanine, which is neutral and non-polar, with valine, which is neutral and non-polar, at codon 24 of the MGME1 protein (p.Ala24Val). This variant is not present in population databases (gnomAD no frequency). This variant has not been reported in the literature in individuals affected with MGME1-related conditions. ClinVar contains an entry for this variant (Variation ID: 1951468). An algorithm developed to predict the effect of missense changes on protein structure and function (PolyPhen-2) suggests that this variant is likely to be tolerated. In summary, the available evidence is currently insufficient to determine the role of this variant in disease. Therefore, it has been classified as a Variant of Uncertain Significance.

Ambry Genetics
Classification: Uncertain significance for Inborn genetic diseases. Last evaluated: 2021-09-17. Review status: criteria provided, single submitter. Criteria: Ambry Variant Classification Scheme 2023. Collection method: clinical testing. Allele origin: germline.

NM_052865.4(MGME1):c.71C>T (p.Ala24Val)

Genes: MGME1 (mitochondrial genome maintenance exonuclease 1; plus strand), LOC126862983 (CDK7 strongly-dependent group 2 enhancer GRCh37_chr20:17950167-17951366; plus strand). Cytogenetic location: 20p11.23.
Variant type: single nucleotide variant.
Coding change: c.71C>T on transcript NM_052865.4 (MANE Select); coding-DNA position 71, C replaced by T.
Protein change: p.Ala24Val; replaces alanine 24 with valine.
Molecular consequence: missense variant.
Genome position (GRCh38, 1-based): chr20:17,969,930, C>T. VCF-style: chr20-17969930-C-T. GRCh37 (hg19) VCF-style: chr20-17950573-C-T.
Other names: c.71C>T, p.Ala24Val (NM_001310338.2, NM_001310339.2, NM_001363738.2); short protein forms A24V.
Identifiers: ClinVar variation 1951468 (VCV001951468.6), dbSNP rs556539910, ClinGen allele CA312311877.